The following is an entry in ClinVar:

ClinVar aggregate classification (germline): Uncertain significance (1 of 4 stars; one submission).

Submission:

Women's Health and Genetics/Laboratory Corporation of America, LabCorp
Classification: Uncertain significance. Last evaluated: 2023-09-06. Review status: criteria provided, single submitter. Criteria: LabCorp Variant Classification Summary - May 2015. Collection method: clinical testing. Allele origin: germline.
Comment: Variant summary: ZNHIT3 c.255_258delCAGA (p.Asp85GlufsX7) results in a premature termination codon, which is expected to escape nonsense mediated decay. The variant allele was found at a frequency of 6.8e-05 in 251372 control chromosomes. This frequency is not significantly higher than estimated for a pathogenic variant in ZNHIT3 causing PEHO Syndrome, allowing no conclusion about variant significance. To our knowledge, no occurrence of c.255_258delCAGA in individuals affected with PEHO Syndrome and no experimental evidence demonstrating its impact on protein function have been reported. No submitters have cited clinical-significance assessments for this variant to ClinVar after 2014. Based on the evidence outlined above, the variant was classified as uncertain significance.

NM_004773.4(ZNHIT3):c.255_258del (p.Asp85fs)

Gene: ZNHIT3 (zinc finger HIT-type containing 3; plus strand). Cytogenetic location: 17q12.
Variant type: Deletion.
Coding change: c.255_258del on transcript NM_004773.4 (MANE Select); coding-DNA positions 255 to 258, 4 bases deleted (CAGA; older notation c.255_258delCAGA).
Protein change: p.Asp85fs; shifts the reading frame from aspartic acid 85.
Molecular consequence: frameshift variant. On other transcripts: non-coding transcript variant (3), intron variant (1).
Genome position (GRCh38, 1-based): chr17:36,493,975-36,493,978, CAGA deleted; deleting any 4 consecutive bases within chr17:36,493,972-36,493,978 gives the same sequence; the c. name uses the placement nearest the transcript's 3' end. VCF-style (leftmost placement, unchanged base first): chr17-36493971-AAGAC-A. GRCh37 (hg19) VCF-style: chr17-34849815-AAGAC-A.
Other names: c.255_258del, p.Asp85fs (NM_001281432.2); c.221_224del, p.Thr74fs (NM_001281433.2); c.119-1248_119-1245del (NM_001281434.2); short protein forms D85fs, T74fs.
Identifiers: ClinVar variation 2627131 (VCV002627131.1), dbSNP rs529353249, ClinGen allele CA289924055.